The following is an entry in ClinVar:

ClinVar aggregate classification (germline): Uncertain significance (1 of 4 stars; one submission).

Conditions:
CTNND1-related disorder. Also called: CTNND1-related condition.

Submission:

PreventionGenetics, part of Exact Sciences
Classification: Uncertain significance for CTNND1-related condition. Last evaluated: 2025-01-22. Review status: criteria provided, single submitter. Criteria: ACMG Guidelines, 2015. Collection method: clinical testing. Allele origin: germline.
Comment: The CTNND1 c.75G>C variant is predicted to result in the amino acid substitution p.Lys25Asn. To our knowledge, this variant has not been reported in the literature or in a large population database (gnomAD), indicating this variant is rare. At this time, the clinical significance of this variant is uncertain due to the absence of conclusive functional and genetic evidence.

NM_001085458.2(CTNND1):c.75G>C (p.Lys25Asn)

Genes: CTNND1 (catenin delta 1; plus strand), TMX2-CTNND1 (TMX2-CTNND1 readthrough (NMD candidate); plus strand). Cytogenetic location: 11q12.1.
Variant type: single nucleotide variant.
Coding change: c.75G>C on transcript NM_001085458.2 (MANE Select); coding-DNA position 75, G replaced by C.
Protein change: p.Lys25Asn; replaces lysine 25 with asparagine.
Molecular consequence: missense variant. On other transcripts: non-coding transcript variant (1), 5 prime UTR variant (7), intron variant (8).
Genome position (GRCh38, 1-based): chr11:57,791,553, G>C. VCF-style: chr11-57791553-G-C. GRCh37 (hg19) VCF-style: chr11-57559025-G-C.
Other names: c.75G>C, p.Lys25Asn (NM_001085459.2, NM_001085460.2, NM_001085461.2 and 3 more transcripts); c.-88G>C (NM_001206883.2, NM_001206884.2, NM_001206886.2 and 4 more transcripts); c.-108-2457G>C (NM_001085467.2, NM_001206890.2, NM_001085463.2 and 4 more transcripts); c.-36-4024G>C (NM_001085469.2); short protein forms K25N.
Identifiers: ClinVar variation 5002503 (VCV005002503.1).